The following is an entry in ClinVar:

NM_032193.4(RNASEH2C):c.446C>G (p.Thr149Ser)

Gene: RNASEH2C (ribonuclease H2 subunit C; minus strand). Cytogenetic location: 11q13.1.
Variant type: single nucleotide variant.
Coding change: c.446C>G on transcript NM_032193.4 (MANE Select); coding-DNA position 446, C replaced by G.
Protein change: p.Thr149Ser; replaces threonine 149 with serine.
Molecular consequence: missense variant.
Genome position (GRCh38, 1-based): chr11:65,720,067, G>C on the plus strand (C>G on the coding strand, the complement: RNASEH2C is on the minus strand). VCF-style: chr11-65720067-G-C. GRCh37 (hg19) VCF-style: chr11-65487538-G-C.
Other names: short protein forms T149S.
Identifiers: ClinVar variation 1950476 (VCV001950476.3), dbSNP rs927571365, ClinGen allele CA223999271.

ClinVar aggregate classification (germline): Uncertain significance. Review status: criteria provided, multiple submitters, no conflicts (2 of 4 stars). 2 submissions from 2 submitters: Uncertain significance (2). Last evaluated 2022-07-12.

Conditions:
Aicardi-Goutieres syndrome 3. Identifiers: Orphanet 51, MedGen C1835916, MONDO:0012471, OMIM 610329.
Inborn genetic diseases. Identifiers: MedGen C0950123, MeSH D030342.

Allele frequency attached by ClinVar (database versions not stated): TOPMed 0.00001.
gnomAD v4.1: 3 of 1,614,002 alleles (0.00019%); highest among the groups gnomAD compares: African/African-American, 0.0013%; no homozygotes.

Submissions (2):

Ambry Genetics
Classification: Uncertain significance for Inborn genetic diseases. Last evaluated: 2022-07-12. Review status: criteria provided, single submitter. Criteria: Ambry Variant Classification Scheme 2023. Collection method: clinical testing. Allele origin: germline.

Labcorp Genetics (formerly Invitae), Labcorp
Classification: Uncertain significance for Aicardi-Goutieres syndrome 3. Last evaluated: 2022-02-18. Review status: criteria provided, single submitter. Criteria: Invitae Variant Classification Sherloc (09022015). Collection method: clinical testing. Allele origin: germline.
Comment: This sequence change replaces threonine, which is neutral and polar, with serine, which is neutral and polar, at codon 149 of the RNASEH2C protein (p.Thr149Ser). This variant is not present in population databases (gnomAD no frequency). This variant has not been reported in the literature in individuals affected with RNASEH2C-related conditions. Algorithms developed to predict the effect of missense changes on protein structure and function output the following: SIFT: "Tolerated"; PolyPhen-2: "Benign"; Align-GVGD: "Class C0". The serine amino acid residue is found in multiple mammalian species, which suggests that this missense change does not adversely affect protein function. In summary, the available evidence is currently insufficient to determine the role of this variant in disease. Therefore, it has been classified as a Variant of Uncertain Significance.